The following is an entry in ClinVar:

NM_000384.3(APOB):c.895T>C (p.Phe299Leu)

Gene: APOB (apolipoprotein B; minus strand). Cytogenetic location: 2p24.1.
Variant type: single nucleotide variant.
Coding change: c.895T>C on transcript NM_000384.3 (MANE Select); coding-DNA position 895, T replaced by C.
Protein change: p.Phe299Leu; replaces phenylalanine 299 with leucine.
Molecular consequence: missense variant.
Genome position (GRCh38, 1-based): chr2:21,034,825, A>G on the plus strand (T>C on the coding strand, the complement: APOB is on the minus strand). VCF-style: chr2-21034825-A-G. GRCh37 (hg19) VCF-style: chr2-21257697-A-G.
Other names: short protein forms F299L.
Identifiers: ClinVar variation 3932653 (VCV003932653.1).
Genomic context (GRCh38, chr2:21,034,825, plus strand): 5'-AGGCACATCTTGAGTAGATTTTCCAGCAACTATGTGGACAGAAACTCTTACCTTCACCAA[A>G]GAAGCGGCTGTTGATCTTTGGTGTGTCTTCAAGTTTCAAAGTCTGTGTCACTTGTGCTAC-3'
Protein context (NP_000375.3, residues 289-309): EDTPKINSRF[Phe299Leu]GEGTKKMGLA

ClinVar aggregate classification (germline): Uncertain significance (1 of 4 stars; one submission).

Conditions:
Cardiovascular phenotype. Identifiers: MedGen CN230736.

Submission:

Ambry Genetics
Classification: Uncertain significance for Cardiovascular phenotype. Last evaluated: 2025-04-14. Review status: criteria provided, single submitter. Criteria: Ambry Variant Classification Scheme 2023. Collection method: clinical testing. Allele origin: germline.
Comment: The p.F299L variant (also known as c.895T>C), located in coding exon 8 of the APOB gene, results from a T to C substitution at nucleotide position 895. The phenylalanine at codon 299 is replaced by leucine, an amino acid with highly similar properties. This variant was identified in one or more individuals with features consistent with hyperlipidemia and was stated to segregate with disease in the family (Setia N et al. J Clin Lipidol, 2020 Jan;14:35-45). This amino acid position is highly conserved in available vertebrate species. In addition, this alteration is predicted to be tolerated by in silico analysis. Based on the available evidence, the clinical significance of this variant remains unclear.

Literature cited by the submitters: PubMed 32044282.